The following is an entry in ClinVar:

NM_017849.4(TMEM127):c.131T>C (p.Leu44Pro)

Gene: TMEM127 (transmembrane protein 127; minus strand). Cytogenetic location: 2q11.2.
Variant type: single nucleotide variant.
Coding change: c.131T>C on transcript NM_017849.4 (MANE Select); coding-DNA position 131, T replaced by C.
Protein change: p.Leu44Pro; replaces leucine 44 with proline.
Molecular consequence: missense variant. On other transcripts: intron variant (1).
Genome position (GRCh38, 1-based): chr2:96,265,251, A>G on the plus strand (T>C on the coding strand, the complement: TMEM127 is on the minus strand). VCF-style: chr2-96265251-A-G. GRCh37 (hg19) VCF-style: chr2-96930989-A-G.
Other names: c.131T>C, p.Leu44Pro (NM_001193304.3); c.-9+618T>C (NM_001407283.1); short protein forms L44P.
Identifiers: ClinVar variation 2822744 (VCV002822744.18), dbSNP rs1191742457, ClinGen allele CA347656054.

ClinVar aggregate classification (germline): Uncertain significance. Review status: criteria provided, multiple submitters, no conflicts (2 of 4 stars). 3 submissions from 3 submitters: Uncertain significance (3). Last evaluated 2024-11-01.

Conditions:
Hereditary cancer-predisposing syndrome. Also called: Hereditary Cancer Syndrome; Hereditary neoplastic syndrome; Neoplastic Syndromes, Hereditary; Tumor predisposition. Identifiers: Orphanet 140162, MedGen C0027672, MeSH D009386, MONDO:0015356.
Hereditary pheochromocytoma and paraganglioma. Also called: Hereditary Paraganglioma-Pheochromocytoma Syndromes; Hereditary pheochromocytoma-paraganglioma; Hereditary paragangliomas and pheochromocytomas. Identifiers: Orphanet 29072, MedGen C4274332, MONDO:0017366.

Allele frequency attached by ClinVar (database versions not stated): gnomAD exomes below 0.00001.

Submissions (3):

CeGaT Center for Human Genetics Tuebingen
Classification: Uncertain significance. Last evaluated: 2024-11-01. Review status: criteria provided, single submitter. Criteria: CeGaT Center For Human Genetics Tuebingen Variant Classification Criteria Version 2. Collection method: clinical testing. Allele origin: germline. Affected: yes. Observed: 1 variant allele.
Comment: TMEM127: PM5

Ambry Genetics
Classification: Uncertain significance for Hereditary cancer-predisposing syndrome. Last evaluated: 2024-09-09. Review status: criteria provided, single submitter. Criteria: Ambry Variant Classification Scheme 2023. Collection method: clinical testing. Allele origin: germline.
Comment: The p.L44P variant (also known as c.131T>C), located in coding exon 1 of the TMEM127 gene, results from a T to C substitution at nucleotide position 131. The leucine at codon 44 is replaced by proline, an amino acid with similar properties. This amino acid position is conserved. In addition, this alteration is predicted to be deleterious by in silico analysis. Based on the available evidence, the clinical significance of this variant remains unclear.

Labcorp Genetics (formerly Invitae), Labcorp
Classification: Uncertain significance for Hereditary pheochromocytoma and paraganglioma. Last evaluated: 2022-12-20. Review status: criteria provided, single submitter. Criteria: Invitae Variant Classification Sherloc (09022015). Collection method: clinical testing. Allele origin: germline.
Comment: This variant has not been reported in the literature in individuals affected with TMEM127-related conditions. The frequency data for this variant in the population databases is considered unreliable, as metrics indicate poor data quality at this position in the gnomAD database. This sequence change replaces leucine, which is neutral and non-polar, with proline, which is neutral and non-polar, at codon 44 of the TMEM127 protein (p.Leu44Pro). Algorithms developed to predict the effect of missense changes on protein structure and function are either unavailable or do not agree on the potential impact of this missense change (SIFT: "Tolerated"; PolyPhen-2: "Possibly Damaging"; Align-GVGD: "Class C0"). In summary, the available evidence is currently insufficient to determine the role of this variant in disease. Therefore, it has been classified as a Variant of Uncertain Significance.